The following is an entry in ClinVar:

ClinVar aggregate classification (germline): Pathogenic (1 of 4 stars; one submission).

Conditions:
Heterotopia, periventricular, X-linked dominant (PVNH1). Also called: PERIVENTRICULAR NODULAR HETEROTOPIA 4; HETEROTOPIA, PERIVENTRICULAR, 1; PERIVENTRICULAR NODULAR HETEROTOPIA 1; X-linked periventricular heterotopia. Identifiers: Orphanet 2149, Orphanet 82004, MedGen C1848213, MONDO:0010233, OMIM 300049.
Oto-palato-digital syndrome, type II (OPD2). Also called: Otopalatodigital Syndrome, Type II; FACIOPALATOOSSEOUS SYNDROME; OPD II SYNDROME; Otopalatodigital Syndrome Type 2 (FLNA-OPD2). Identifiers: Orphanet 669, Orphanet 90652, MedGen C1844696, MONDO:0010571, OMIM 304120.
Melnick-Needles syndrome (MNS). Also called: MELNICK-NEEDLES OSTEODYSPLASTY; OSTEODYSPLASTY OF MELNICK AND NEEDLES; Melnick-Needles Syndrome (FLNA-MNS). Identifiers: Orphanet 2484, MedGen C0025237, MONDO:0010650, OMIM 309350.
Frontometaphyseal dysplasia (FMD1). Identifiers: Orphanet 1826, MedGen C0265293, MONDO:0015942.

Submission:

Labcorp Genetics (formerly Invitae), Labcorp
Classification: Pathogenic for Oto-palato-digital syndrome, type II; Heterotopia, periventricular, X-linked dominant; Frontometaphyseal dysplasia; Melnick-Needles syndrome. Last evaluated: 2025-05-12. Review status: criteria provided, single submitter. Criteria: Invitae Variant Classification Sherloc (09022015). Collection method: clinical testing. Allele origin: germline.
Comment: This sequence change creates a premature translational stop signal (p.Ala1885*) in the FLNA gene. It is expected to result in an absent or disrupted protein product. Loss-of-function variants in FLNA are known to be pathogenic (PMID: 16684786, 20730588, 26471271). Information on the frequency of this variant in the gnomAD database is not available, as this variant may be reported differently in the database. This variant has not been reported in the literature in individuals affected with FLNA-related conditions. For these reasons, this variant has been classified as Pathogenic.

Literature cited by the submitters: PubMed 16684786; PubMed 20730588; PubMed 26471271.

NM_001110556.2(FLNA):c.5677_5678delinsTA (p.Ala1893Ter)

Gene: FLNA (filamin A; minus strand). Cytogenetic location: Xq28.
Variant type: Indel.
Coding change: c.5677_5678delinsTA on transcript NM_001110556.2 (MANE Select); coding-DNA positions 5677 to 5678, GC replaced by TA.
Protein change: p.Ala1893Ter; replaces alanine 1893 with a stop codon.
Molecular consequence: nonsense.
Genome position (GRCh38, 1-based): chrX:154,353,923-154,353,924, GC replaced by TA on the plus strand (GC replaced by TA on the coding strand, the reverse complement: FLNA is on the minus strand). VCF-style: chrX-154353923-GC-TA. GRCh37 (hg19) VCF-style: chrX-153582291-GC-TA.
Other names: c.5653_5654delinsTA, p.Ala1885Ter (NM_001456.4); short protein forms A1885*, A1893*.
Identifiers: ClinVar variation 4784984 (VCV004784984.1).